The following is an entry in ClinVar:

ClinVar aggregate classification (germline): Likely pathogenic (1 of 4 stars; one submission).

Conditions:
Inborn genetic diseases. Identifiers: MedGen C0950123, MeSH D030342.

Submission:

Ambry Genetics
Classification: Likely pathogenic for Inborn genetic diseases. Last evaluated: 2025-08-06. Review status: criteria provided, single submitter. Criteria: Ambry Variant Classification Scheme 2023. Collection method: clinical testing. Allele origin: germline.
Comment: The c.1014_1015delAG (p.G339Sfs*2) alteration, located in exon 13 (coding exon 13) of the HIBCH gene, consists of a deletion of 2 nucleotides from position 1014 to 1015, causing a translational frameshift with a predicted alternate stop codon after 2 amino acids. This variant is not expected to trigger nonsense-mediated mRNA decay, and impacts the last 12% of the protein. However, premature stop codons are typically deleterious in nature, the impacted region is critical for protein function, and a significant portion of the protein is affected (Ambry internal data). This variant was not reported in population-based cohorts in the Genome Aggregation Database (gnomAD). Based on the available evidence, this alteration is classified as likely pathogenic.

NM_014362.3(HIBCH):c.1014_1015delAG

Gene: HIBCH (3-hydroxyisobutyryl-CoA hydrolase; minus strand). Cytogenetic location: 2q32.2.
Variant type: Microsatellite.
Coding change: c.1014_1015delAG on transcript NM_014362.3; coding-DNA positions 1014 to 1015, 2 bases deleted (AG).
Molecular consequence: intron variant (on NM_198047.3).
Genome position (GRCh38, 1-based): chr2:190,208,910-190,208,911, CT deleted on the plus strand (AG on the coding strand, the reverse complement: HIBCH is on the minus strand); deleting any 2 consecutive bases within chr2:190,208,910-190,208,915 gives the same sequence; the c. name uses the placement nearest the transcript's 3' end. VCF-style (leftmost placement, unchanged base first): chr2-190208909-CCT-C. GRCh37 (hg19) VCF-style: chr2-191073635-CCT-C.
Other names: c.1012-3683AG[2] (NM_198047.3).
Identifiers: ClinVar variation 4270728 (VCV004270728.1).